The following is an entry in ClinVar:

NM_152564.5(VPS13B):c.8490C>T (p.Asp2830=)

Gene: VPS13B (vacuolar protein sorting 13 homolog B; plus strand). Cytogenetic location: 8q22.2.
Variant type: single nucleotide variant.
Coding change: c.8490C>T on transcript NM_152564.5 (MANE Select); coding-DNA position 8490, C replaced by T.
Protein change: p.Asp2830=; no amino-acid change (aspartic acid 2830 retained).
Molecular consequence: synonymous variant.
Genome position (GRCh38, 1-based): chr8:99,818,757, C>T. VCF-style: chr8-99818757-C-T. GRCh37 (hg19) VCF-style: chr8-100830985-C-T.
Other names: c.8565C>T, p.Asp2855= (NM_017890.5); c.8490C>T (NM_152564.4).
Identifiers: ClinVar variation 1573112 (VCV001573112.9), dbSNP rs1814194580, ClinGen allele CA462457697.

ClinVar aggregate classification (germline): Likely benign. Review status: criteria provided, multiple submitters, no conflicts (2 of 4 stars). 2 submissions from 2 submitters: Likely benign (2). Last evaluated 2025-03-05.

Conditions:
Cohen syndrome (COH1). Also called: Cutis verticis gyrata, retinitis pigmentosa, and sensorineural deafness; PEPPER SYNDROME. Identifiers: Orphanet 193, MedGen C0265223, MONDO:0008999, OMIM 216550.
VPS13B-related disorder. Also called: VPS13B-related condition.

Allele frequency attached by ClinVar (database versions not stated): TOPMed 0.00001.

Submissions (2):

PreventionGenetics, part of Exact Sciences
Classification: Likely benign for VPS13B-related condition. Last evaluated: 2025-03-05. Review status: criteria provided, single submitter. Criteria: ACMG Guidelines, 2015. Collection method: clinical testing. Allele origin: germline.
Comment: This variant is classified as likely benign based on ACMG/AMP sequence variant interpretation guidelines (Richards et al. 2015 PMID: 25741868, with internal and published modifications).

Labcorp Genetics (formerly Invitae), Labcorp
Classification: Likely benign for Cohen syndrome. Last evaluated: 2024-01-08. Review status: criteria provided, single submitter. Criteria: Invitae Variant Classification Sherloc (09022015). Collection method: clinical testing. Allele origin: germline.